The following is an entry in ClinVar:

ClinVar aggregate classification (germline): Pathogenic (1 of 4 stars; one submission).

Conditions:
Rare genetic deafness. Identifiers: Orphanet 96210, MedGen C5680250.

Allele frequency attached by ClinVar (database versions not stated): ExAC 0.00001.

Submission:

Laboratory for Molecular Medicine, Mass General Brigham Personalized Medicine
Classification: Pathogenic for Rare genetic deafness. Last evaluated: 2021-03-10. Review status: criteria provided, single submitter. Criteria: ACMG Guidelines, 2015. Collection method: clinical testing. Allele origin: germline. Inheritance: Autosomal recessive inheritance.
Comment: It has also been identified in 0.003% (1/34416) of Latino chromosomes by gnomAD. This variant occurs in the invariant region (+/- 1,2) of the splice consensus sequence and is predicted to cause altered splicing leading to an abnormal or absent protein. Loss of function of the STRC gene is an established disease mechanism in hearing loss. In summary, this variant meets criteria to be classified as pathogenic for autosomal recessive sensorineural hearing loss. ACMG/AMP Criteria applied: PVS1, PM2_Supporting, PM3.

NM_153700.2(STRC):c.4375+1G>A

Gene: STRC (stereocilin; minus strand). Cytogenetic location: 15q15.3.
Variant type: single nucleotide variant.
Coding change: c.4375+1G>A on transcript NM_153700.2 (MANE Select); the canonical splice donor site of the intron after coding-DNA position 4375, G replaced by A.
Molecular consequence: splice donor variant.
Genome position (GRCh38, 1-based): chr15:43,603,995, C>T on the plus strand (G>A on the coding strand, the complement: STRC is on the minus strand). VCF-style: chr15-43603995-C-T. GRCh37 (hg19) VCF-style: chr15-43896193-C-T.
Identifiers: ClinVar variation 666997 (VCV000666997.5), dbSNP rs766595464, ClinGen allele CA7528066.
Genomic context (GRCh38, chr15:43,603,995, plus strand): 5'-CCAGACCGTTTGATACTCCCTGTACATCCTGCTGGACATATAAGTATTTGGGTAGTTTCA[C>T]CTGGAAGATCCTCAGCAGCTGGTCGCACCACCCCTGCTACCAGGGCTGCTTTCTTGGCAG-3'